The following is an entry in ClinVar:

NM_181523.3(PIK3R1):c.502+1G>C

Gene: PIK3R1 (phosphoinositide-3-kinase regulatory subunit 1; plus strand). Cytogenetic location: 5q13.1.
Variant type: single nucleotide variant.
Coding change: c.502+1G>C on transcript NM_181523.3 (MANE Select); the canonical splice donor site of the intron after coding-DNA position 502, G replaced by C.
Molecular consequence: splice donor variant.
Genome position (GRCh38, 1-based): chr5:68,274,014, G>C. VCF-style: chr5-68274014-G-C. GRCh37 (hg19) VCF-style: chr5-67569842-G-C.
Identifiers: ClinVar variation 928571 (VCV000928571.1), dbSNP rs773461483, ClinGen allele CA3290036.

ClinVar aggregate classification (germline): Likely pathogenic (1 of 4 stars; one submission).

Conditions:
SHORT syndrome. Also called: SHORT STATURE, HYPEREXTENSIBILITY, HERNIA, OCULAR DEPRESSION, RIEGER ANOMALY, AND TEETHING DELAY; PIK3R1-Related SHORT Syndrome; LIPODYSTROPHY, PARTIAL, WITH RIEGER ANOMALY AND SHORT STATURE. Identifiers: Orphanet 3163, MedGen C0878684, MONDO:0010026, OMIM 269880.

Allele frequency attached by ClinVar (database versions not stated): gnomAD exomes below 0.00001; ExAC 0.00001.
gnomAD v4.1: 2 of 1,611,946 alleles (0.00012%); no homozygotes.

Submission:

Women's Health and Genetics/Laboratory Corporation of America, LabCorp
Classification: Likely pathogenic for SHORT syndrome. Last evaluated: 2019-03-05. Review status: criteria provided, single submitter. Criteria: LabCorp Variant Classification Summary - May 2015. Collection method: clinical testing. Allele origin: germline.
Comment: Variant summary: PIK3R1 c.502+1G>C is located in a canonical splice-site and is predicted to affect mRNA splicing resulting in a significantly altered protein due to either exon skipping, shortening, or inclusion of intronic material. Several computational tools predict a significant impact on normal splicing: Five predict the variant abolishes a 5' splicing donor site. However, these predictions have yet to be confirmed by functional studies. The variant allele was found at a frequency of 4.1e-06 in 245852 control chromosomes (gnomAD). To our knowledge, no occurrence of c.502+1G>C in individuals affected with SHORT syndrome and no experimental evidence demonstrating its impact on protein function have been reported. No clinical diagnostic laboratories have submitted clinical-significance assessments for this variant to ClinVar after 2014. Based on the evidence outlined above, the variant was classified as likely pathogenic.